The following is an entry in ClinVar:

ClinVar aggregate classification (germline): Benign/Likely benign. Review status: criteria provided, multiple submitters, no conflicts (2 of 4 stars). 10 submissions from 10 submitters: Benign (6); Likely benign (2). 2 of the submissions do not count toward it. Last evaluated 2026-02-04.

Conditions:
Fraser syndrome 1 (FRASRS1). Also called: CRYPTOPHTHALMOS WITH OTHER MALFORMATIONS. Identifiers: Orphanet 2052, MedGen C4551480, MONDO:0054737, OMIM 219000.

Allele frequency attached by ClinVar (database versions not stated): 1000 Genomes Project 0.33546; 1000 Genomes Project 30x 0.33588; TOPMed 0.41851; ESP Exome Variant Server 0.42799; gnomAD 0.43159 and 0.43382; gnomAD exomes 0.48397 and 0.52851; ExAC 0.48705.
gnomAD v4.1: 834,791 of 1,612,438 alleles (52%); highest among the groups gnomAD compares: Non-Finnish European, 56%; 225,496 homozygotes.

Submissions (10):

Labcorp Genetics (formerly Invitae), Labcorp
Classification: Benign. Last evaluated: 2026-02-04. Review status: criteria provided, single submitter. Criteria: Invitae Variant Classification Sherloc (09022015). Collection method: clinical testing. Allele origin: germline.

Blueprint Genetics
Classification: Benign. Last evaluated: 2024-11-26. Review status: criteria provided, single submitter. Criteria: ACMG Guidelines, 2015. Collection method: clinical testing. Allele origin: germline.

Mayo Clinic Laboratories, Mayo Clinic
Classification: Benign. Last evaluated: 2022-11-17. Review status: criteria provided, single submitter. Criteria: ACMG Guidelines, 2015. Collection method: clinical testing. Allele origin: germline. Observed: 52 variant alleles.
Comment: BA1, BP4

Women's Health and Genetics/Laboratory Corporation of America, LabCorp
Classification: Likely benign. Last evaluated: 2021-12-03. Review status: criteria provided, single submitter. Criteria: LabCorp Variant Classification Summary - May 2015. Collection method: clinical testing. Allele origin: germline.

Genome-Nilou Lab
Classification: Benign for Fraser syndrome 1. Last evaluated: 2021-08-10. Review status: criteria provided, single submitter. Criteria: ACMG Guidelines, 2015. Collection method: clinical testing. Allele origin: germline. Affected: no.

Illumina Laboratory Services, Illumina
Classification: Benign for Fraser syndrome 1. Last evaluated: 2018-01-13. Review status: criteria provided, single submitter. Criteria: ICSL Variant Classification Criteria 13 December 2019. Collection method: clinical testing. Allele origin: germline.
Comment: This variant was observed in the ICSL laboratory as part of a predisposition screen in an ostensibly healthy population. It had not been previously curated by ICSL or reported in the Human Gene Mutation Database (HGMD: prior to June 1st, 2018), and was therefore a candidate for classification through an automated scoring system. Utilizing variant allele frequency, disease prevalence and penetrance estimates, and inheritance mode, an automated score was calculated to assess if this variant is too frequent to cause the disease. Based on the score and internal cut-off values, a variant classified as benign is not then subjected to further curation. The score for this variant resulted in a classification of benign for this disease.

Breakthrough Genomics
Classification: Likely benign. Review status: criteria provided, single submitter. Criteria: ACMG Guidelines, 2015. Collection method: not provided. Allele origin: germline. Inheritance: Autosomal recessive inheritance. Affected: yes.

PreventionGenetics, part of Exact Sciences
Classification: Benign. Review status: criteria provided, single submitter. Criteria: ACMG Guidelines, 2015. Collection method: clinical testing. Allele origin: germline.

Diagnostic Laboratory, Department of Genetics, University Medical Center Groningen
Classification: Benign for Fraser syndrome 1. Review status: no assertion criteria provided. Collection method: clinical testing. Allele origin: germline. Affected: yes. Study: VKGL Data-share Consensus. Not counted in ClinVar's aggregate classification.

Genome Diagnostics Laboratory, University Medical Center Utrecht
Classification: Benign. Review status: no assertion criteria provided. Collection method: clinical testing. Allele origin: germline. Affected: yes. Study: VKGL Data-share Consensus. Not counted in ClinVar's aggregate classification.

NM_025074.7(FRAS1):c.2450C>T (p.Ala817Val)

Gene: FRAS1 (Fraser extracellular matrix complex subunit 1; plus strand). Cytogenetic location: 4q21.21.
Variant type: single nucleotide variant.
Coding change: c.2450C>T on transcript NM_025074.7 (MANE Select); coding-DNA position 2450, C replaced by T.
Protein change: p.Ala817Val; replaces alanine 817 with valine.
Molecular consequence: missense variant.
Genome position (GRCh38, 1-based): chr4:78,363,540, C>T. VCF-style: chr4-78363540-C-T. GRCh37 (hg19) VCF-style: chr4-79284694-C-T.
Other names: p.Ala817Val; c.2450C>T, p.Ala817Val (NM_001166133.2); short protein forms A817V.
Identifiers: ClinVar variation 261805 (VCV000261805.18), dbSNP rs6835769, ClinGen allele CA2976656.